The following is an entry in ClinVar:

NM_001033044.4(GLUL):c.838_839delinsAAACTAA (p.Arg280fs)

Gene: GLUL (glutamate-ammonia ligase; minus strand). Cytogenetic location: 1q25.3.
Variant type: Indel.
Coding change: c.838_839delinsAAACTAA on transcript NM_001033044.4 (MANE Select); coding-DNA positions 838 to 839, CG replaced by AAACTAA.
Protein change: p.Arg280fs; shifts the reading frame from arginine 280.
Molecular consequence: frameshift variant.
Genome position (GRCh38, 1-based): chr1:182,384,688-182,384,689, CG replaced by TTAGTTT on the plus strand (CG replaced by AAACTAA on the coding strand, the reverse complement: GLUL is on the minus strand). VCF-style: chr1-182384688-CG-TTAGTTT. GRCh37 (hg19) VCF-style: chr1-182353823-CG-TTAGTTT.
Other names: c.838_839delinsAAACTAA, p.Arg280fs (NM_001033056.4, NM_002065.7); short protein forms R280fs.
Identifiers: ClinVar variation 3363492 (VCV003363492.1).

ClinVar aggregate classification (germline): Uncertain significance (1 of 4 stars; one submission).

Submission:

GeneDx
Classification: Uncertain significance. Last evaluated: 2023-10-26. Review status: criteria provided, single submitter. Criteria: GeneDx Variant Classification Process June 2021. Collection method: clinical testing. Allele origin: germline. Affected: yes.
Comment: Not observed at significant frequency in large population cohorts (gnomAD); Frameshift variant predicted to result in abnormal protein length as the last 94 amino acids are replaced with 22 different amino acids in a gene for which loss-of-function is not a known/established mechanism of disease; Has not been previously published as pathogenic or benign to our knowledge